The following is an entry in ClinVar:

NM_153000.5(APCDD1):c.638G>A (p.Arg213Gln)

Gene: APCDD1 (APC down-regulated 1; plus strand). Cytogenetic location: 18p11.22.
Variant type: single nucleotide variant.
Coding change: c.638G>A on transcript NM_153000.5 (MANE Select); coding-DNA position 638, G replaced by A.
Protein change: p.Arg213Gln; replaces arginine 213 with glutamine.
Molecular consequence: missense variant.
Genome position (GRCh38, 1-based): chr18:10,471,925, G>A. VCF-style: chr18-10471925-G-A. GRCh37 (hg19) VCF-style: chr18-10471922-G-A.
Other names: c.638G>A (NM_153000.4); short protein forms R213Q.
Identifiers: ClinVar variation 3606307 (VCV003606307.3).
Genomic context (GRCh38, chr18:10,471,925, plus strand): 5'-AGAACGGCTGTGAGTGCACCAAGGCCGTGAACTTTGCCATGCATGAACTTCAGCTCATCC[G>A]GGTGGAGAAGCAGTACCTTCACCACAACCTCGACCACCTGGTCGAGGAGCTCTTCCTTGG-3'
Protein context (NP_694545.1, residues 203-223): NFAMHELQLI[Arg213Gln]VEKQYLHHNL

ClinVar aggregate classification (germline): Uncertain significance. Review status: criteria provided, multiple submitters, no conflicts (2 of 4 stars). 2 submissions from 2 submitters: Uncertain significance (2). Last evaluated 2025-10-07.

Submissions (2):

Ambry Genetics
Classification: Uncertain significance. Last evaluated: 2025-10-07. Review status: criteria provided, single submitter. Criteria: Ambry Variant Classification Scheme 2023. Collection method: clinical testing. Allele origin: germline.

Labcorp Genetics (formerly Invitae), Labcorp
Classification: Uncertain significance. Last evaluated: 2025-08-18. Review status: criteria provided, single submitter. Criteria: Invitae Variant Classification Sherloc (09022015). Collection method: clinical testing. Allele origin: germline.
Comment: This sequence change replaces arginine, which is basic and polar, with glutamine, which is neutral and polar, at codon 213 of the APCDD1 protein (p.Arg213Gln). This variant is present in population databases (rs746711951, gnomAD 0.005%). This variant has not been reported in the literature in individuals affected with APCDD1-related conditions. ClinVar contains an entry for this variant (Variation ID: 3606307). Invitae Evidence Modeling of protein sequence and biophysical properties (such as structural, functional, and spatial information, amino acid conservation, physicochemical variation, residue mobility, and thermodynamic stability) indicates that this missense variant is expected to disrupt APCDD1 protein function with a positive predictive value of 80%. In summary, the available evidence is currently insufficient to determine the role of this variant in disease. Therefore, it has been classified as a Variant of Uncertain Significance.